The following is an entry in ClinVar:

ClinVar aggregate classification (germline): Likely benign (1 of 4 stars; one submission).

Allele frequency attached by ClinVar (database versions not stated): 1000 Genomes Project 30x 0.00515; gnomAD 0.00562; 1000 Genomes Project 0.00599; ExAC 0.00762.
gnomAD v4.1: 11,050 of 1,550,346 alleles (0.71%); highest among the groups gnomAD compares: South Asian, 0.94%; 68 homozygotes.

Submission:

CeGaT Center for Human Genetics Tuebingen
Classification: Likely benign. Last evaluated: 2023-04-01. Review status: criteria provided, single submitter. Criteria: CeGaT Center For Human Genetics Tuebingen Variant Classification Criteria Version 2. Collection method: clinical testing. Allele origin: germline. Affected: yes. Observed: 1 variant allele.
Comment: CFAP46: BP4, BP7, BS2

NM_001200049.3(CFAP46):c.3738C>T (p.Val1246=)

Gene: CFAP46 (cilia and flagella associated protein 46; minus strand). Cytogenetic location: 10q26.3.
Variant type: single nucleotide variant.
Coding change: c.3738C>T on transcript NM_001200049.3 (MANE Select); coding-DNA position 3738, C replaced by T.
Protein change: p.Val1246=; no amino-acid change (valine 1246 retained).
Molecular consequence: synonymous variant.
Genome position (GRCh38, 1-based): chr10:132,880,922, G>A on the plus strand (C>T on the coding strand, the complement: CFAP46 is on the minus strand). VCF-style: chr10-132880922-G-A. GRCh37 (hg19) VCF-style: chr10-134694426-G-A.
Identifiers: ClinVar variation 2640989 (VCV002640989.24), dbSNP rs200941339, ClinGen allele CA5757581.